The following is an entry in ClinVar:

ClinVar aggregate classification (germline): Uncertain significance (1 of 4 stars; one submission).

Conditions:
Inborn genetic diseases. Identifiers: MedGen C0950123, MeSH D030342.

Submission:

Ambry Genetics
Classification: Uncertain significance for Inborn genetic diseases. Last evaluated: 2026-03-10. Review status: criteria provided, single submitter. Criteria: Ambry Variant Classification Scheme 2023. Collection method: clinical testing. Allele origin: germline.
Comment: The c.125C>T (p.P42L) alteration is located in exon 3 (coding exon 2) of the TNPO2 gene. This alteration results from a C to T substitution at nucleotide position 125, causing the proline (P) at amino acid position 42 to be replaced by a leucine (L). This variant was not reported in population-based cohorts in the Genome Aggregation Database (gnomAD). This amino acid position is highly conserved in available vertebrate species. This missense variant is located in a region that has a low rate of benign missense variation (Lek, 2016; Firth, 2009). This alteration is predicted to be deleterious by in silico analysis. Based on insufficient or conflicting evidence, the clinical significance of this alteration remains unclear.

NM_001382241.1(TNPO2):c.125C>T (p.Pro42Leu)

Gene: TNPO2 (transportin 2; minus strand). Cytogenetic location: 19p13.13.
Variant type: single nucleotide variant.
Coding change: c.125C>T on transcript NM_001382241.1 (MANE Select); coding-DNA position 125, C replaced by T.
Protein change: p.Pro42Leu; replaces proline 42 with leucine.
Molecular consequence: missense variant. On other transcripts: non-coding transcript variant (6).
Genome position (GRCh38, 1-based): chr19:12,719,311, G>A on the plus strand (C>T on the coding strand, the complement: TNPO2 is on the minus strand). VCF-style: chr19-12719311-G-A. GRCh37 (hg19) VCF-style: chr19-12830125-G-A.
Other names: c.125C>T, p.Pro42Leu (NM_001136195.2, NM_001136196.2, NM_001382236.1 and 7 more transcripts); short protein forms P42L.
Identifiers: ClinVar variation 4840991 (VCV004840991.1).